The following is an entry in ClinVar:

NM_002439.5(MSH3):c.973C>G (p.Leu325Val)

Genes: MSH3 (mutS homolog 3; plus strand), LOC126807437 (MED14-independent group 3 enhancer GRCh37_chr5:79968379-79969578; plus strand). Cytogenetic location: 5q14.1.
Variant type: single nucleotide variant.
Coding change: c.973C>G on transcript NM_002439.5 (MANE Select); coding-DNA position 973, C replaced by G.
Protein change: p.Leu325Val; replaces leucine 325 with valine.
Molecular consequence: missense variant.
Genome position (GRCh38, 1-based): chr5:80,672,804, C>G. VCF-style: chr5-80672804-C-G. GRCh37 (hg19) VCF-style: chr5-79968623-C-G.
Other names: short protein forms L325V.
Identifiers: ClinVar variation 1345483 (VCV001345483.10), dbSNP rs2112814306, ClinGen allele CA360267452.
Genomic context (GRCh38, chr5:80,672,804, plus strand): 5'-GGAGTTGTGAAGCAAACTGAAACTGCAGCATTAAAGGCCATTGGAGACAACAGAAGTTCA[C>G]TCTTTTCCCGGAAATTGACTGCCCTTTATACAAAATCTACACTTATTGGAGAAGATATCC-3'
Protein context (NP_002430.3, residues 315-335): LKAIGDNRSS[Leu325Val]FSRKLTALYT

ClinVar aggregate classification (germline): Conflicting classifications of pathogenicity. Review status: criteria provided, conflicting classifications (1 of 4 stars). 2 submissions from 2 submitters: Uncertain significance (1); Likely benign (1). Last evaluated 2022-09-04.

Conditions:
Hereditary cancer-predisposing syndrome. Also called: Hereditary neoplastic syndrome; Tumor predisposition; Neoplastic Syndromes, Hereditary; Hereditary Cancer Syndrome. Identifiers: Orphanet 140162, MedGen C0027672, MeSH D009386, MONDO:0015356.

Submissions (2):

Ambry Genetics
Classification: Likely benign for Hereditary cancer-predisposing syndrome. Last evaluated: 2022-09-04. Review status: criteria provided, single submitter. Criteria: Ambry Variant Classification Scheme 2023. Collection method: clinical testing. Allele origin: germline.

Labcorp Genetics (formerly Invitae), Labcorp
Classification: Uncertain significance. Last evaluated: 2021-04-15. Review status: criteria provided, single submitter. Criteria: Invitae Variant Classification Sherloc (09022015). Collection method: clinical testing. Allele origin: germline.
Comment: In summary, the available evidence is currently insufficient to determine the role of this variant in disease. Therefore, it has been classified as a Variant of Uncertain Significance. Algorithms developed to predict the effect of missense changes on protein structure and function output the following: SIFT: "Tolerated"; PolyPhen-2: "Benign"; Align-GVGD: "Class C0". The valine amino acid residue is found in multiple mammalian species, suggesting that this missense change does not adversely affect protein function. These predictions have not been confirmed by published functional studies and their clinical significance is uncertain. This variant has not been reported in the literature in individuals with MSH3-related conditions. This variant is not present in population databases (ExAC no frequency). This sequence change replaces leucine with valine at codon 325 of the MSH3 protein (p.Leu325Val). The leucine residue is moderately conserved and there is a small physicochemical difference between leucine and valine.